The following is an entry in ClinVar:

ClinVar aggregate classification (germline): Uncertain significance. Review status: criteria provided, multiple submitters, no conflicts (2 of 4 stars). 2 submissions from 2 submitters: Uncertain significance (2). Last evaluated 2026-07-06.

Conditions:
Hereditary cancer-predisposing syndrome. Also called: Hereditary neoplastic syndrome; Hereditary Cancer Syndrome; Neoplastic Syndromes, Hereditary; Tumor predisposition. Identifiers: Orphanet 140162, MedGen C0027672, MeSH D009386, MONDO:0015356.

Submissions (2):

Ambry Genetics
Classification: Uncertain significance for Hereditary cancer-predisposing syndrome. Last evaluated: 2026-07-06. Review status: criteria provided, single submitter. Criteria: Ambry Variant Classification Scheme 2023. Collection method: clinical testing. Allele origin: germline.
Comment: The p.L234P variant (also known as c.701T>C), located in coding exon 6 of the SUFU gene, results from a T to C substitution at nucleotide position 701. The leucine at codon 234 is replaced by proline, an amino acid with similar properties. This amino acid position is conserved. In addition, this alteration is predicted to be deleterious by in silico analysis. Based on the available evidence, the clinical significance of this variant remains unclear.

GeneDx
Classification: Uncertain significance. Last evaluated: 2023-03-30. Review status: criteria provided, single submitter. Criteria: GeneDx Variant Classification Process June 2021. Collection method: clinical testing. Allele origin: germline. Affected: yes.
Comment: Not observed at significant frequency in large population cohorts (gnomAD); In silico analysis supports that this missense variant has a deleterious effect on protein structure/function; Has not been previously published as pathogenic or benign to our knowledge; This variant is associated with the following publications: (PMID: 24311597)

NM_016169.4(SUFU):c.701T>C (p.Leu234Pro)

Gene: SUFU (SUFU negative regulator of hedgehog signaling; plus strand). Cytogenetic location: 10q24.32.
Variant type: single nucleotide variant.
Coding change: c.701T>C on transcript NM_016169.4 (MANE Select); coding-DNA position 701, T replaced by C.
Protein change: p.Leu234Pro; replaces leucine 234 with proline.
Molecular consequence: missense variant.
Genome position (GRCh38, 1-based): chr10:102,594,010, T>C. VCF-style: chr10-102594010-T-C. GRCh37 (hg19) VCF-style: chr10-104353767-T-C.
Other names: c.701T>C, p.Leu234Pro (NM_001178133.2); short protein forms L234P.
Identifiers: ClinVar variation 2582050 (VCV002582050.2), dbSNP rs2545086808, ClinGen allele CA377909757.
Genomic context (GRCh38, chr10:102,594,010, plus strand): 5'-CCAGACCCTCAGTTACCATTGTATCCCCTTTCCTTGTCCACAGTGCTGGCGGCCCCTGGC[T>C]GATAACTGACATGCGGAGGGGAGAGACCATATTTGAGATCGATCCACACCTGCAAGTATG-3'
Protein context (NP_057253.2, residues 224-244): RTVPIAGGPW[Leu234Pro]ITDMRRGETI